The following is an entry in ClinVar:

NM_001349253.2(SCN11A):c.240C>G (p.Asp80Glu)

Gene: SCN11A (sodium voltage-gated channel alpha subunit 11; minus strand). Cytogenetic location: 3p22.2.
Variant type: single nucleotide variant.
Coding change: c.240C>G on transcript NM_001349253.2 (MANE Select); coding-DNA position 240, C replaced by G.
Protein change: p.Asp80Glu; replaces aspartic acid 80 with glutamic acid.
Molecular consequence: missense variant.
Genome position (GRCh38, 1-based): chr3:38,950,123, G>C on the plus strand (C>G on the coding strand, the complement: SCN11A is on the minus strand). VCF-style: chr3-38950123-G-C. GRCh37 (hg19) VCF-style: chr3-38991614-G-C.
Other names: p.Asp80Glu; c.240C>G, p.Asp80Glu (NM_014139.3); short protein forms D80E.
Identifiers: ClinVar variation 968465 (VCV000968465.9), dbSNP rs749020471, ClinGen allele CA2322747.

ClinVar aggregate classification (germline): Uncertain significance. Review status: criteria provided, multiple submitters, no conflicts (2 of 4 stars). 3 submissions from 3 submitters: Uncertain significance (3). Last evaluated 2024-10-14.

Conditions:
Inborn genetic diseases. Identifiers: MedGen C0950123, MeSH D030342.
Hereditary sensory and autonomic neuropathy type 7. Also called: HSAN VII; Neuropathy, hereditary sensory and autonomic, type VII. Identifiers: Orphanet 391397, MedGen C3809882, MONDO:0014244, OMIM 615548.
Familial episodic pain syndrome with predominantly lower limb involvement. Also called: Episodic pain syndrome, familial, 3. Identifiers: Orphanet 391384, Orphanet 391392, MedGen C3809899, MONDO:0014247, OMIM 615552.

Allele frequency attached by ClinVar (database versions not stated): gnomAD exomes below 0.00001 and 0.00001; TOPMed 0.00001; ExAC 0.00002; gnomAD 0.00002.
gnomAD v4.1: 6 of 1,580,918 alleles (0.00038%); highest among the groups gnomAD compares: Non-Finnish European, 0.00051%; no homozygotes.

Submissions (3):

Mayo Clinic Laboratories, Mayo Clinic
Classification: Uncertain significance. Last evaluated: 2024-10-14. Review status: criteria provided, single submitter. Criteria: ACMG Guidelines, 2015. Collection method: clinical testing. Allele origin: germline. Observed: 1 variant allele.
Comment: BS2

Ambry Genetics
Classification: Uncertain significance for Inborn genetic diseases. Last evaluated: 2024-09-26. Review status: criteria provided, single submitter. Criteria: Ambry Variant Classification Scheme 2023. Collection method: clinical testing. Allele origin: germline.

Labcorp Genetics (formerly Invitae), Labcorp
Classification: Uncertain significance for Familial episodic pain syndrome with predominantly lower limb involvement; Hereditary sensory and autonomic neuropathy type 7. Last evaluated: 2022-10-09. Review status: criteria provided, single submitter. Criteria: Invitae Variant Classification Sherloc (09022015). Collection method: clinical testing. Allele origin: germline.
Comment: This sequence change replaces aspartic acid, which is acidic and polar, with glutamic acid, which is acidic and polar, at codon 80 of the SCN11A protein (p.Asp80Glu). This variant is present in population databases (rs749020471, gnomAD 0.003%). This variant has not been reported in the literature in individuals affected with SCN11A-related conditions. ClinVar contains an entry for this variant (Variation ID: 968465). Advanced modeling of protein sequence and biophysical properties (such as structural, functional, and spatial information, amino acid conservation, physicochemical variation, residue mobility, and thermodynamic stability) performed at Invitae indicates that this missense variant is not expected to disrupt SCN11A protein function. In summary, the available evidence is currently insufficient to determine the role of this variant in disease. Therefore, it has been classified as a Variant of Uncertain Significance.